The following is an entry in ClinVar:

NM_001148.6(ANK2):c.6083G>A (p.Arg2028Gln)

Genes: ANK2 (ankyrin 2; plus strand), LOC126807136 (MED14-independent group 3 enhancer GRCh37_chr4:114274931-114276130; plus strand). Cytogenetic location: 4q26.
Variant type: single nucleotide variant.
Coding change: c.6083G>A on transcript NM_001148.6 (MANE Select); coding-DNA position 6083, G replaced by A.
Protein change: p.Arg2028Gln; replaces arginine 2028 with glutamine.
Molecular consequence: missense variant. On other transcripts: intron variant (68).
Genome position (GRCh38, 1-based): chr4:113,354,701, G>A. VCF-style: chr4-113354701-G-A. GRCh37 (hg19) VCF-style: chr4-114275857-G-A.
Other names: c.5849G>A, p.Arg1950Gln (NM_001386142.1); c.2483G>A, p.Arg828Gln (NM_001386166.1); c.6224G>A, p.Arg2075Gln (NM_001386174.1); c.6200G>A, p.Arg2067Gln (NM_001386175.1); c.4411+4452G>A (NM_001386186.2, NM_001386148.2); c.4213+4452G>A (NM_001354269.3); c.4291+4452G>A (NM_001386187.2); c.4252+4452G>A (NM_001386147.1); and 35 more; short protein forms R1950Q, R2028Q, R2075Q, R2067Q, R828Q.
Identifiers: ClinVar variation 2037058 (VCV002037058.4), dbSNP rs768206554, ClinGen allele CA3051358.
Genomic context (GRCh38, chr4:113,354,701, plus strand): 5'-CTGGACTCTTTGAGCACAAATCAGCAAAACAAAAGCAGCCACAAGAGAAAGGTAAAGTTC[G>A]GGTAGAAAAAGAAAAGGGGCCGATACTAACCCAGAGAGAAGCTCAGAAAACAGAGAATCA-3'
Protein context (NP_001139.3, residues 2018-2038): QKQPQEKGKV[Arg2028Gln]VEKEKGPILT

ClinVar aggregate classification (germline): Uncertain significance (1 of 4 stars; one submission).

Conditions:
Long QT syndrome (LQTS). Identifiers: MedGen C0023976, MeSH D008133, MONDO:0002442. Disease mechanism: loss of function. Inheritance: Various modes of inheritance.

Allele frequency attached by ClinVar (database versions not stated): TOPMed below 0.00001; ExAC 0.00001.
gnomAD v4.1: 5 of 1,613,906 alleles (0.00031%); highest among the groups gnomAD compares: East Asian, 0.0045%; no homozygotes.

Submission:

Labcorp Genetics (formerly Invitae), Labcorp
Classification: Uncertain significance for Long QT syndrome. Last evaluated: 2025-06-12. Review status: criteria provided, single submitter. Criteria: Invitae Variant Classification Sherloc (09022015). Collection method: clinical testing. Allele origin: germline.
Comment: This sequence change replaces arginine, which is basic and polar, with glutamine, which is neutral and polar, at codon 2028 of the ANK2 protein (p.Arg2028Gln). This variant is present in population databases (rs768206554, gnomAD 0.003%). This variant has not been reported in the literature in individuals affected with ANK2-related conditions. ClinVar contains an entry for this variant (Variation ID: 2037058). Invitae Evidence Modeling of protein sequence and biophysical properties (such as structural, functional, and spatial information, amino acid conservation, physicochemical variation, residue mobility, and thermodynamic stability) indicates that this missense variant is not expected to disrupt ANK2 protein function with a negative predictive value of 80%. In summary, the available evidence is currently insufficient to determine the role of this variant in disease. Therefore, it has been classified as a Variant of Uncertain Significance.